The following is an entry in ClinVar:

NM_006231.4(POLE):c.1974G>C (p.Lys658Asn)

Gene: POLE (DNA polymerase epsilon, catalytic subunit; minus strand). Cytogenetic location: 12q24.33.
Variant type: single nucleotide variant.
Coding change: c.1974G>C on transcript NM_006231.4 (MANE Select); coding-DNA position 1974, G replaced by C.
Protein change: p.Lys658Asn; replaces lysine 658 with asparagine.
Molecular consequence: missense variant.
Genome position (GRCh38, 1-based): chr12:132,668,687, C>G on the plus strand (G>C on the coding strand, the complement: POLE is on the minus strand). VCF-style: chr12-132668687-C-G. GRCh37 (hg19) VCF-style: chr12-133245273-C-G.
Other names: short protein forms K658N.
Identifiers: ClinVar variation 2772608 (VCV002772608.3), dbSNP rs762795868, ClinGen allele CA387355022.

ClinVar aggregate classification (germline): Uncertain significance (1 of 4 stars; one submission).

gnomAD v4.1: 1 of 1,614,042 alleles (0.000062%); highest among the groups gnomAD compares: Non-Finnish European, 0.000085%; no homozygotes.

Submission:

Labcorp Genetics (formerly Invitae), Labcorp
Classification: Uncertain significance. Last evaluated: 2023-10-29. Review status: criteria provided, single submitter. Criteria: Invitae Variant Classification Sherloc (09022015). Collection method: clinical testing. Allele origin: germline.
Comment: This sequence change replaces lysine, which is basic and polar, with asparagine, which is neutral and polar, at codon 658 of the POLE protein (p.Lys658Asn). This variant is not present in population databases (gnomAD no frequency). This variant has not been reported in the literature in individuals affected with POLE-related conditions. Advanced modeling of protein sequence and biophysical properties (such as structural, functional, and spatial information, amino acid conservation, physicochemical variation, residue mobility, and thermodynamic stability) performed at Invitae indicates that this missense variant is not expected to disrupt POLE protein function with a negative predictive value of 80%. In summary, the available evidence is currently insufficient to determine the role of this variant in disease. Therefore, it has been classified as a Variant of Uncertain Significance.